The following is an entry in ClinVar:

NM_001368882.1(COL13A1):c.462+1G>T

Gene: COL13A1 (collagen type XIII alpha 1 chain; plus strand). Cytogenetic location: 10q22.1.
Variant type: single nucleotide variant.
Coding change: c.462+1G>T on transcript NM_001368882.1 (MANE Select); the canonical splice donor site of the intron after coding-DNA position 462, G replaced by T.
Molecular consequence: splice donor variant. On other transcripts: intron variant (10).
Genome position (GRCh38, 1-based): chr10:69,878,066, G>T. VCF-style: chr10-69878066-G-T. GRCh37 (hg19) VCF-style: chr10-71637822-G-T.
Other names: c.462+1G>T (NM_001320951.2, NM_001368884.1); c.436-2437G>T (NM_001130103.2, NM_080801.4, NM_080802.4 and 1 more transcripts); c.-228+1G>T (NM_001368886.1); c.426+1G>T (NM_001368883.1, NM_001368885.1); c.399+5856G>T (NM_080805.4, NM_001368897.1); c.373-2437G>T (NM_001368895.1); c.373-9390G>T (NM_001368898.1, NM_080798.4, NM_001368896.1).
Identifiers: ClinVar variation 3065133 (VCV003065133.3), dbSNP rs778599406, ClinGen allele CA5534158.

ClinVar aggregate classification (germline): Conflicting classifications of pathogenicity. Review status: criteria provided, conflicting classifications (1 of 4 stars). 2 submissions from 2 submitters: Likely pathogenic (1); Uncertain significance (1). Last evaluated 2025-12-05.

Conditions:
Congenital myasthenic syndrome 19. Identifiers: Orphanet 590, MedGen C4225235, MONDO:0014745, OMIM 616720.

Allele frequency attached by ClinVar (database versions not stated): gnomAD 0.00007; ExAC 0.00008; TOPMed 0.00015; gnomAD exomes 0.00016; 1000 Genomes Project 30x 0.00016.
gnomAD v4.1: 105 of 702,956 alleles (0.015%); highest among the groups gnomAD compares: Middle Eastern, 0.046%; no homozygotes.

Submissions (2):

Dasa
Classification: Likely pathogenic for Congenital myasthenic syndrome 19. Last evaluated: 2025-12-05. Review status: criteria provided, single submitter. Criteria: DASA Assertion Criteria. Collection method: clinical testing. Allele origin: germline.
Comment: NM_001368882.1(COL13A1):c.462+1G>T affects a canonical splice site and is predicted to disrupt normal RNA splicing. Loss of function is an established disease mechanism for COL13A1-associated disorders. Also, this variant is rare in population databases. Based on the currently available evidence, this variant is classified as likely pathogenic.

Genomic Medicine Center of Excellence, King Faisal Specialist Hospital and Research Centre
Classification: Uncertain significance for Congenital myasthenic syndrome 19. Last evaluated: 2024-03-26. Review status: criteria provided, single submitter. Criteria: ACMG Guidelines, 2015. Collection method: clinical testing. Allele origin: germline.